The following is an entry in ClinVar:

NM_000302.4(PLOD1):c.533G>A (p.Ser178Asn)

Gene: PLOD1 (procollagen-lysine,2-oxoglutarate 5-dioxygenase 1; plus strand). Cytogenetic location: 1p36.22.
Variant type: single nucleotide variant.
Coding change: c.533G>A on transcript NM_000302.4 (MANE Select); coding-DNA position 533, G replaced by A.
Protein change: p.Ser178Asn; replaces serine 178 with asparagine.
Molecular consequence: missense variant.
Genome position (GRCh38, 1-based): chr1:11,952,689, G>A. VCF-style: chr1-11952689-G-A. GRCh37 (hg19) VCF-style: chr1-12012746-G-A.
Other names: c.674G>A, p.Ser225Asn (NM_001316320.2); short protein forms S178N, S225N.
Identifiers: ClinVar variation 2330355 (VCV002330355.2), dbSNP rs1645711411, ClinGen allele CA338428345.

ClinVar aggregate classification (germline): Uncertain significance (1 of 4 stars; one submission).

Conditions:
Familial thoracic aortic aneurysm and aortic dissection (TAAD). Also called: Thoracic aortic aneurysms and dissections. Identifiers: Orphanet 91387, MedGen C4707243, MONDO:0019625.

Allele frequency attached by ClinVar (database versions not stated): TOPMed below 0.00001.
gnomAD v4.1: 2 of 1,614,078 alleles (0.00012%); no homozygotes.

Submission:

Ambry Genetics
Classification: Uncertain significance for Familial thoracic aortic aneurysm and aortic dissection. Last evaluated: 2023-11-04. Review status: criteria provided, single submitter. Criteria: Ambry Variant Classification Scheme 2023. Collection method: clinical testing. Allele origin: germline.
Comment: The p.S178N variant (also known as c.533G>A), located in coding exon 5 of the PLOD1 gene, results from a G to A substitution at nucleotide position 533. The serine at codon 178 is replaced by asparagine, an amino acid with highly similar properties. This amino acid position is conserved. In addition, this alteration is predicted to be tolerated by in silico analysis. Since supporting evidence is limited at this time, the clinical significance of this alteration remains unclear.